The following is an entry in ClinVar:

NM_001354930.2(RIPK1):c.1674C>G (p.Asp558Glu)

Gene: RIPK1 (receptor interacting serine/threonine kinase 1; plus strand). Cytogenetic location: 6p25.2.
Variant type: single nucleotide variant.
Coding change: c.1674C>G on transcript NM_001354930.2 (MANE Select); coding-DNA position 1674, C replaced by G.
Protein change: p.Asp558Glu; replaces aspartic acid 558 with glutamic acid.
Molecular consequence: missense variant.
Genome position (GRCh38, 1-based): chr6:3,110,900, C>G. VCF-style: chr6-3110900-C-G. GRCh37 (hg19) VCF-style: chr6-3111134-C-G.
Other names: c.1185C>G, p.Asp395Glu (NM_001317061.3, NM_001354932.2, NM_001354933.2 and 1 more transcripts); c.1536C>G, p.Asp512Glu (NM_001354931.2); c.1674C>G, p.Asp558Glu (NM_003804.6); short protein forms D395E, D512E, D558E.
Identifiers: ClinVar variation 2961486 (VCV002961486.3), dbSNP rs757998172, ClinGen allele CA3618485.

ClinVar aggregate classification (germline): Uncertain significance (1 of 4 stars; one submission).

Allele frequency attached by ClinVar (database versions not stated): gnomAD exomes below 0.00001; ExAC 0.00001.
gnomAD v4.1: 1 of 1,613,374 alleles (0.000062%); highest among the groups gnomAD compares: Non-Finnish European, 0.000085%; no homozygotes.

Submission:

Labcorp Genetics (formerly Invitae), Labcorp
Classification: Uncertain significance. Last evaluated: 2023-11-13. Review status: criteria provided, single submitter. Criteria: Invitae Variant Classification Sherloc (09022015). Collection method: clinical testing. Allele origin: germline.
Comment: This sequence change replaces aspartic acid, which is acidic and polar, with glutamic acid, which is acidic and polar, at codon 558 of the RIPK1 protein (p.Asp558Glu). This variant is present in population databases (rs757998172, gnomAD 0.0009%). This variant has not been reported in the literature in individuals affected with RIPK1-related conditions. Algorithms developed to predict the effect of missense changes on protein structure and function output the following: SIFT: "Not Available"; PolyPhen-2: "Benign"; Align-GVGD: "Not Available". The glutamic acid amino acid residue is found in multiple mammalian species, which suggests that this missense change does not adversely affect protein function. In summary, the available evidence is currently insufficient to determine the role of this variant in disease. Therefore, it has been classified as a Variant of Uncertain Significance.